The following is an entry in ClinVar:

ClinVar aggregate classification (germline): Pathogenic (1 of 4 stars; one submission).

Allele frequency attached by ClinVar (database versions not stated): TOPMed below 0.00001.

Submission:

Labcorp Genetics (formerly Invitae), Labcorp
Classification: Pathogenic. Last evaluated: 2026-01-11. Review status: criteria provided, single submitter. Criteria: Invitae Variant Classification Sherloc (09022015). Collection method: clinical testing. Allele origin: germline.
Comment: This sequence change falls in intron 8 of the POLE gene. It does not directly change the encoded amino acid sequence of the POLE protein. RNA analysis indicates that this variant induces altered splicing and may result in an absent or altered protein product. This variant is not present in population databases (gnomAD no frequency). This variant has not been reported in the literature in individuals affected with POLE-related conditions. ClinVar contains an entry for this variant (Variation ID: 2178583). Studies have shown that this variant results in activation of a cryptic splice site, and produces a non-functional protein and/or introduces a premature termination codon (internal data). For these reasons, this variant has been classified as Pathogenic.

NM_006231.4(POLE):c.802-307G>T

Gene: POLE (DNA polymerase epsilon, catalytic subunit; minus strand). Cytogenetic location: 12q24.33.
Variant type: single nucleotide variant.
Coding change: c.802-307G>T on transcript NM_006231.4 (MANE Select); 307 bases into the intron before coding-DNA position 802, G replaced by T.
Molecular consequence: intron variant.
Genome position (GRCh38, 1-based): chr12:132,676,960, C>A on the plus strand (G>T on the coding strand, the complement: POLE is on the minus strand). VCF-style: chr12-132676960-C-A. GRCh37 (hg19) VCF-style: chr12-133253546-C-A.
Identifiers: ClinVar variation 2178583 (VCV002178583.4), dbSNP rs1023850211, ClinGen allele CA246299500.
Genomic context (GRCh38, chr12:132,676,960, plus strand): 5'-AGAAAAACTCTTCAAAAGACATCACCTCATTCTGGTGGTTATGACAACTCTGAAAGGTAA[C>A]TGTGGCACAGAGATGATATCTTCATTTCGGAAAAGAGAAAACTGAATACAAAGACTTTCC-3'